The following is an entry in ClinVar:

ClinVar aggregate classification (germline): Benign (0 of 4 stars; one submission).

Conditions:
PTPRS-related disorder. Also called: PTPRS-related condition.

Allele frequency attached by ClinVar (database versions not stated): ESP Exome Variant Server 0.00015; TOPMed 0.00041; gnomAD 0.00118; gnomAD exomes 0.00167; ExAC 0.00434; 1000 Genomes Project 30x 0.00796; 1000 Genomes Project 0.00958.
gnomAD v4.1: 2,675 of 1,613,982 alleles (0.17%); highest among the groups gnomAD compares: South Asian, 2.4%; 67 homozygotes.

Submission:

PreventionGenetics, part of Exact Sciences
Classification: Benign for PTPRS-related condition. Last evaluated: 2019-04-18. Review status: no assertion criteria provided. Collection method: clinical testing. Allele origin: germline.
Comment: This variant is classified as benign based on ACMG/AMP sequence variant interpretation guidelines (Richards et al. 2015 PMID: 25741868, with internal and published modifications).

NM_002850.4(PTPRS):c.5571C>T (p.Ile1857=)

Gene: PTPRS (protein tyrosine phosphatase receptor type S; minus strand). Cytogenetic location: 19p13.3.
Variant type: single nucleotide variant.
Coding change: c.5571C>T on transcript NM_002850.4 (MANE Select); coding-DNA position 5571, C replaced by T.
Protein change: p.Ile1857=; no amino-acid change (isoleucine 1857 retained).
Molecular consequence: synonymous variant.
Genome position (GRCh38, 1-based): chr19:5,208,308, G>A on the plus strand (C>T on the coding strand, the complement: PTPRS is on the minus strand). VCF-style: chr19-5208308-G-A. GRCh37 (hg19) VCF-style: chr19-5208319-G-A.
Other names: c.5505C>T, p.Ile1835= (NM_001394011.1); c.5484C>T, p.Ile1828= (NM_001394012.1); c.5445C>T, p.Ile1815= (NM_001394013.1); c.4230C>T, p.Ile1410= (NM_130853.3); c.5457C>T, p.Ile1819= (NM_130854.3); c.4242C>T, p.Ile1414= (NM_130855.3).
Identifiers: ClinVar variation 3041878 (VCV003041878.2), dbSNP rs115118569, ClinGen allele CA9108684.